The following is an entry in ClinVar:

ClinVar aggregate classification (germline): Uncertain significance (1 of 4 stars; one submission).

Submission:

GeneDx
Classification: Uncertain significance. Last evaluated: 2024-01-18. Review status: criteria provided, single submitter. Criteria: GeneDx Variant Classification Process June 2021. Collection method: clinical testing. Allele origin: germline. Affected: yes.
Comment: Not observed at significant frequency in large population cohorts (gnomAD); In silico analysis supports that this missense variant does not alter protein structure/function; Has not been previously published as pathogenic or benign to our knowledge

NM_000297.4(PKD2):c.1029G>T (p.Glu343Asp)

Gene: PKD2 (polycystin 2, transient receptor potential cation channel; plus strand). Cytogenetic location: 4q22.1.
Variant type: single nucleotide variant.
Coding change: c.1029G>T on transcript NM_000297.4 (MANE Select); coding-DNA position 1029, G replaced by T.
Protein change: p.Glu343Asp; replaces glutamic acid 343 with aspartic acid.
Molecular consequence: missense variant. On other transcripts: non-coding transcript variant (1).
Genome position (GRCh38, 1-based): chr4:88,038,436, G>T. VCF-style: chr4-88038436-G-T. GRCh37 (hg19) VCF-style: chr4-88959588-G-T.
Other names: short protein forms E343D.
Identifiers: ClinVar variation 3368044 (VCV003368044.1).